The following is an entry in ClinVar:

NM_001873.4(CPE):c.88C>G (p.Pro30Ala)

Gene: CPE (carboxypeptidase E; plus strand). Cytogenetic location: 4q32.3.
Variant type: single nucleotide variant.
Coding change: c.88C>G on transcript NM_001873.4 (MANE Select); coding-DNA position 88, C replaced by G.
Protein change: p.Pro30Ala; replaces proline 30 with alanine.
Molecular consequence: missense variant.
Genome position (GRCh38, 1-based): chr4:165,379,309, C>G. VCF-style: chr4-165379309-C-G. GRCh37 (hg19) VCF-style: chr4-166300461-C-G.
Other names: short protein forms P30A.
Identifiers: ClinVar variation 2629098 (VCV002629098.1), dbSNP rs949851535, ClinGen allele CA109746385.
Genomic context (GRCh38, chr4:165,379,309, plus strand): 5'-CTGGCTCTGTGCGGGGCACTGGCTGCCTGCGGGTGGCTCCTGGGCGCCGAAGCCCAGGAG[C>G]CCGGGGCGCCCGCGGCGGGCATGAGGCGGCGCCGGCGGCTGCAGCAAGAGGACGGCATCT-3'
Protein context (NP_001864.1, residues 20-40): GWLLGAEAQE[Pro30Ala]GAPAAGMRRR

ClinVar aggregate classification (germline): Uncertain significance (1 of 4 stars; one submission).

Conditions:
CPE-related disorder. Also called: CPE-related condition.

Allele frequency attached by ClinVar (database versions not stated): gnomAD 0.00001.
gnomAD v4.1: 8 of 1,548,592 alleles (0.00052%); highest among the groups gnomAD compares: Non-Finnish European, 0.00052%; no homozygotes.

Submission:

PreventionGenetics, part of Exact Sciences
Classification: Uncertain significance for CPE-related condition. Last evaluated: 2023-08-01. Review status: criteria provided, single submitter. Criteria: ACMG Guidelines, 2015. Collection method: clinical testing. Allele origin: germline.
Comment: The CPE c.88C>G variant is predicted to result in the amino acid substitution p.Pro30Ala. To our knowledge, this variant has not been reported in the literature. This variant is reported in 0.0017% of alleles in individuals of European (Non-Finnish) descent in gnomAD. At this time, the clinical significance of this variant is uncertain due to the absence of conclusive functional and genetic evidence.